The following is an entry in ClinVar:

NM_004360.5(CDH1):c.1090A>C (p.Thr364Pro)

Gene: CDH1 (cadherin 1; plus strand). Cytogenetic location: 16q22.1.
Variant type: single nucleotide variant.
Coding change: c.1090A>C on transcript NM_004360.5 (MANE Select); coding-DNA position 1090, A replaced by C.
Protein change: p.Thr364Pro; replaces threonine 364 with proline.
Molecular consequence: missense variant. On other transcripts: 5 prime UTR variant (2).
Genome position (GRCh38, 1-based): chr16:68,812,216, A>C. VCF-style: chr16-68812216-A-C. GRCh37 (hg19) VCF-style: chr16-68846119-A-C.
Other names: c.1090A>C, p.Thr364Pro (NM_001317184.2); c.-526A>C (NM_001317185.2); c.-730A>C (NM_001317186.2); short protein forms T364P.
Identifiers: ClinVar variation 3724586 (VCV003724586.2).

ClinVar aggregate classification (germline): Uncertain significance (1 of 4 stars; one submission).

Conditions:
Hereditary diffuse gastric adenocarcinoma (HDGC). Also called: DIFFUSE GASTRIC AND LOBULAR BREAST CANCER SYNDROME. Identifiers: Orphanet 26106, MedGen C1708349, MONDO:0007648, OMIM 137215.

Submission:

Labcorp Genetics (formerly Invitae), Labcorp
Classification: Uncertain significance for Hereditary diffuse gastric adenocarcinoma. Last evaluated: 2024-11-20. Review status: criteria provided, single submitter. Criteria: Invitae Variant Classification Sherloc (09022015). Collection method: clinical testing. Allele origin: germline.
Comment: This sequence change replaces threonine, which is neutral and polar, with proline, which is neutral and non-polar, at codon 364 of the CDH1 protein (p.Thr364Pro). This variant is not present in population databases (gnomAD no frequency). This variant has not been reported in the literature in individuals affected with CDH1-related conditions. An algorithm developed to predict the effect of missense changes on protein structure and function (PolyPhen-2) suggests that this variant is likely to be disruptive. In summary, the available evidence is currently insufficient to determine the role of this variant in disease. Therefore, it has been classified as a Variant of Uncertain Significance.